The following is an entry in ClinVar:

ClinVar aggregate classification (germline): Uncertain significance (1 of 4 stars; one submission).

Conditions:
Episodic ataxia type 2 (EA2). Also called: CEREBELLAR ATAXIA, PAROXYSMAL, ACETAZOLAMIDE-RESPONSIVE; CEREBELLOPATHY, HEREDITARY PAROXYSMAL; EPISODIC ATAXIA, NYSTAGMUS-ASSOCIATED; ACETAZOLAMIDE-RESPONSIVE HEREDITARY PAROXYSMAL CEREBELLAR ATAXIA; ATAXIA, EPISODIC, WITH NYSTAGMUS; ATAXIA, FAMILIAL PAROXYSMAL. Identifiers: Orphanet 97, MedGen C1720416, MONDO:0007163, OMIM 108500.
Developmental and epileptic encephalopathy, 42 (DEE42A). Also called: Epileptic encephalopathy, early infantile, 42; DEVELOPMENTAL AND EPILEPTIC ENCEPHALOPATHY 42A; EPILEPTIC ENCEPHALOPATHY, EARLY INFANTILE, 42A. Identifiers: MedGen C4310716, MONDO:0014917, OMIM 617106.

Submission:

Labcorp Genetics (formerly Invitae), Labcorp
Classification: Uncertain significance for Developmental and epileptic encephalopathy, 42; Episodic ataxia type 2. Last evaluated: 2023-03-09. Review status: criteria provided, single submitter. Criteria: Invitae Variant Classification Sherloc (09022015). Collection method: clinical testing. Allele origin: germline.
Comment: This sequence change results in a frameshift in the CACNA1A gene (p.Ala2239Thrfs*272). While this is not anticipated to result in nonsense mediated decay, it is expected to disrupt the last 23 amino acid(s) of the CACNA1A protein and extend the protein by 248 additional amino acid residues. In summary, the available evidence is currently insufficient to determine the role of this variant in disease. Therefore, it has been classified as a Variant of Uncertain Significance. Experimental studies and prediction algorithms are not available or were not evaluated, and the functional significance of this variant is currently unknown. This variant has not been reported in the literature in individuals affected with CACNA1A-related conditions. This variant is not present in population databases (gnomAD no frequency).

NM_001127222.2(CACNA1A):c.6701_6711dup (p.Ala2238fs)

Genes: CACNA1A (calcium voltage-gated channel subunit alpha1 A; minus strand), LOC130063717 (ATAC-STARR-seq lymphoblastoid silent region 10203; plus strand). Cytogenetic location: 19p13.13.
Variant type: Duplication.
Coding change: c.6701_6711dup on transcript NM_001127222.2 (MANE Select); coding-DNA positions 6701 to 6711, 11 bases duplicated (ACCACGGCCGG).
Protein change: p.Ala2238fs; shifts the reading frame from alanine 2238.
Molecular consequence: frameshift variant.
Genome position (GRCh38, 1-based): chr19:13,208,825-13,208,835, CCGGCCGTGGT duplicated on the plus strand (ACCACGGCCGG on the coding strand, the reverse complement: CACNA1A is on the minus strand); duplicating any 11 consecutive bases within chr19:13,208,825-13,208,843 gives the same sequence; the c. name uses the placement nearest the transcript's 3' end. VCF-style (leftmost placement, unchanged base first): chr19-13208824-C-CCCGGCCGTGGT. GRCh37 (hg19) VCF-style: chr19-13319638-C-CCCGGCCGTGGT.
Other names: c.6719_6729dup, p.Ala2244fs (NM_000068.4, NM_023035.3); c.6704_6714dup, p.Ala2239fs (NM_001127221.2); c.6710_6720dup, p.Ala2241fs (NM_001174080.2); short protein forms A2238fs, A2241fs, A2244fs, A2239fs.
Identifiers: ClinVar variation 2945186 (VCV002945186.3), dbSNP rs2512515563, ClinGen allele CA2740091914.